The following is an entry in ClinVar:

NM_000257.4(MYH7):c.4258C>G (p.Arg1420Gly)

Gene: MYH7 (myosin heavy chain 7; minus strand). Cytogenetic location: 14q11.2.
Variant type: single nucleotide variant.
Coding change: c.4258C>G on transcript NM_000257.4 (MANE Select); coding-DNA position 4258, C replaced by G.
Protein change: p.Arg1420Gly; replaces arginine 1420 with glycine.
Molecular consequence: missense variant.
Genome position (GRCh38, 1-based): chr14:23,417,598, G>C on the plus strand (C>G on the coding strand, the complement: MYH7 is on the minus strand). VCF-style: chr14-23417598-G-C. GRCh37 (hg19) VCF-style: chr14-23886807-G-C.
Other names: c.4258C>G, p.Arg1420Gly (NM_001407004.1); short protein forms R1420G.
Identifiers: ClinVar variation 4801919 (VCV004801919.1).

ClinVar aggregate classification (germline): Uncertain significance (1 of 4 stars; one submission).

Conditions:
Hypertrophic cardiomyopathy. Also called: HYPERTROPHIC MYOCARDIOPATHY. Identifiers: Orphanet 217569, MedGen C0007194, MeSH D002312, MONDO:0005045, HP:0001639.

Submission:

Labcorp Genetics (formerly Invitae), Labcorp
Classification: Uncertain significance for Hypertrophic cardiomyopathy. Last evaluated: 2026-01-13. Review status: criteria provided, single submitter. Criteria: Invitae Variant Classification Sherloc (09022015). Collection method: clinical testing. Allele origin: germline.
Comment: This sequence change replaces arginine, which is basic and polar, with glycine, which is neutral and non-polar, at codon 1420 of the MYH7 protein (p.Arg1420Gly). This variant is not present in population databases (gnomAD no frequency). This variant has not been reported in the literature in individuals affected with MYH7-related conditions. Invitae Evidence Modeling of protein sequence and biophysical properties (such as structural, functional, and spatial information, amino acid conservation, physicochemical variation, residue mobility, and thermodynamic stability) indicates that this missense variant is expected to disrupt MYH7 protein function with a positive predictive value of 95%. This variant disrupts the p.Arg1420 amino acid residue in MYH7. Other variant(s) that disrupt this residue have been determined to be pathogenic (PMID: 15358028, 20624503, 21817903, 23283745, 26914223, 27247418, 27532257). This suggests that this residue is clinically significant, and that variants that disrupt this residue are likely to be disease-causing. In summary, the available evidence is currently insufficient to determine the role of this variant in disease. Therefore, it has been classified as a Variant of Uncertain Significance.

Literature cited by the submitters: PubMed 15358028; PubMed 20624503; PubMed 21817903; PubMed 23283745; PubMed 26914223; PubMed 27247418; PubMed 27532257.